The following is an entry in ClinVar:

NM_001323289.2(CDKL5):c.175C>T (p.Arg59Ter)

Gene: CDKL5 (cyclin dependent kinase like 5; plus strand). Cytogenetic location: Xp22.13.
Variant type: single nucleotide variant.
Coding change: c.175C>T on transcript NM_001323289.2 (MANE Select); coding-DNA position 175, C replaced by T.
Protein change: p.Arg59Ter; replaces arginine 59 with a stop codon.
Molecular consequence: nonsense.
Genome position (GRCh38, 1-based): chrX:18,575,383, C>T. VCF-style: chrX-18575383-C-T. GRCh37 (hg19) VCF-style: chrX-18593503-C-T.
Other names: NM_001323289.2(CDKL5):c.175C>T; p.Arg59Ter; c.175C>T, p.Arg59Ter (NM_001037343.2, NM_003159.3); short protein forms R59*.
Identifiers: ClinVar variation 143783 (VCV000143783.22), dbSNP rs62653623, ClinGen allele CA171618.

ClinVar aggregate classification (germline): Pathogenic. Review status: criteria provided, multiple submitters, no conflicts (2 of 4 stars). 9 submissions from 8 submitters: Pathogenic (6). 3 of the submissions do not count toward it. Last evaluated 2024-08-21.

Conditions:
CDKL5 disorder. Identifiers: MedGen CN296942, MONDO:0100039.
Developmental and epileptic encephalopathy, 2 (DEE2). Also called: INFANTILE SPASM SYNDROME, X-LINKED 2; CDKL5 deficiency disorder. Identifiers: Orphanet 1934, Orphanet 3451, Orphanet 505652, MedGen C4750718, MONDO:0010396, OMIM 300672.
Angelman syndrome-like. Identifiers: MedGen CN128785.
Atypical Rett syndrome. Also called: Rett like syndrome; Variant Rett Syndrome. Identifiers: Orphanet 3095, MedGen C2748910, MONDO:0017746.
CDKL5-related disorder.

Submissions (9):

Centre for Population Genomics, CPG
Classification: Pathogenic for CDKL5 disorder. Last evaluated: 2024-08-21. Review status: criteria provided, single submitter. Criteria: McKnight et al. (Hum Mutat. 2022). Collection method: curation. Allele origin: germline. Inheritance: X-linked inheritance.
Comment: This variant has been collected from RettBASE and curated to current modified ACMG/AMP criteria. Based on the classification scheme defined by the ClinGen Rett/Angelman-like Expert Panel for Rett/AS-like Disorders Specifications to the ACMG/AMP Variant Interpretation Guidelines VCEP 3.0, this variant is classified as pathogenic. At least the following criteria are met: Predicted to result in loss of function, and LOF is a known mechanism of disease (PVS1). This variant is absent from gnomAD v4 (PM2_Supporting). Has been observed in at least 5 individuals with phenotypes consistent with CDKL5 disorder (PS4). PMID 16611748 ClinVar Variation ID: 143783

GeneDx
Classification: Pathogenic. Last evaluated: 2024-04-01. Review status: criteria provided, single submitter. Criteria: GeneDx Variant Classification Process June 2021. Collection method: clinical testing. Allele origin: germline. Affected: yes.
Comment: Nonsense variant predicted to result in protein truncation or nonsense mediated decay in a gene for which loss of function is a known mechanism of disease; Published functional studies demonstrate a damaging effect, with mouse models exhibiting autistic-like behaviors (PMID: 31201320, 30952813); Not observed in large population cohorts (gnomAD); This variant is associated with the following publications: (PMID: 20493745, 21502606, 23238081, 29455050, 23583054, 19740913, 29961513, 31232219, 30952813, 31539537, 31456437, 31313283, 33905871, 33047306, 22678952, 16611748, 31201320)

Neuberg Centre For Genomic Medicine, NCGM
Classification: Pathogenic for Developmental and epileptic encephalopathy, 2. Last evaluated: 2024-02-01. Review status: criteria provided, single submitter. Criteria: ACMG Guidelines, 2015. Collection method: clinical testing. Allele origin: germline. Inheritance: X-linked dominant inheritance. Affected: yes.
Comment: This sequence change creates a premature translational stop signal (p.Arg59*) in the CDKL5 gene. It is expected to result in an absent or disrupted protein product. Loss-of-function variants in CDKL5 are known to be pathogenic (PMID: 22872100). This variant is not present in population databases (gnomAD no frequency). This premature translational stop signal has been observed in individual(s) with CDKL5-related conditions (PMID: 16611748, 23583054, 31313283). In at least one individual the variant was observed to be de novo. ClinVar contains an entry for this variant (Variation ID: 143783). For these reasons, this variant has been classified as Pathogenic.

Labcorp Genetics (formerly Invitae), Labcorp
Classification: Pathogenic for Developmental and epileptic encephalopathy, 2; Angelman syndrome-like. Last evaluated: 2023-02-03. Review status: criteria provided, single submitter. Criteria: Invitae Variant Classification Sherloc (09022015). Collection method: clinical testing. Allele origin: germline.
Comment: the same text as in the submission from Neuberg Centre For Genomic Medicine, NCGM above.

Athena Diagnostics
Classification: Pathogenic. Last evaluated: 2018-05-22. Review status: criteria provided, single submitter. Criteria: Athena Diagnostics Criteria. Collection method: clinical testing. Allele origin: germline.

Genetic Services Laboratory, University of Chicago
Classification: Pathogenic for Epileptic encephalopathy, early infantile, 2. Last evaluated: 2013-02-08. Review status: criteria provided, single submitter. Criteria: ACMG Guidelines, 2007. Collection method: clinical testing. Allele origin: germline. Inheritance: X-linked inheritance. Affected: yes.

PreventionGenetics, part of Exact Sciences
Classification: Pathogenic for CDKL5-related condition. Last evaluated: 2024-02-01. Review status: no assertion criteria provided. Collection method: clinical testing. Allele origin: germline. Not counted in ClinVar's aggregate classification.
Comment: The CDKL5 c.175C>T variant is predicted to result in premature protein termination (p.Arg59*). This variant has been reported in multiple male and female individuals with developmental and epileptic encephalopathy and in all patients where parents were available for testing the variant was reported to be de novo (Archer et al. 2006. PubMed ID: 16611748; Castrén et al. 2010. PubMed ID: 20493745; Klein et al. 2011. PubMed ID: 21502606; Bahi-Buisson et al. 2012. PubMed ID: 22678952; Mirzaa et al. 2013. PubMed ID: 23583054; Almomen et al. 2018. PubMed ID: 29961513). This variant has not been reported in a large population database, indicating this variant is rare. Nonsense variants in CDKL5 are expected to be pathogenic. This variant is interpreted as pathogenic.

RettBASE
Classification: Pathogenic for Epileptic encephalopathy, early infantile, 2. Last evaluated: 2014-03-13. Review status: no assertion criteria provided. Collection method: curation. Allele origin: unknown, de novo. Affected: yes. Observed: 2 variant alleles. Not counted in ClinVar's aggregate classification.
Comment: In vitro study (Ricciardi et al 2009) shows abnormal nuclear speckles

RettBASE
Classification: Pathogenic for Atypical Rett syndrome. Last evaluated: 2014-03-13. Review status: no assertion criteria provided. Collection method: curation. Allele origin: unknown. Affected: yes. Observed: 2 variant alleles. Not counted in ClinVar's aggregate classification.
Comment: the same text as in the submission from RettBASE above.

Literature cited by the submitters: PubMed 22872100 (cited by Labcorp Genetics (formerly Invitae), Labcorp); PubMed 16611748 (cited by 3 submitters); PubMed 23583054 (cited by 3 submitters); PubMed 31313283 (cited by Labcorp Genetics (formerly Invitae), Labcorp); PubMed 19740913 (cited by Athena Diagnostics and RettBASE); PubMed 20493745 (cited by Athena Diagnostics and RettBASE); PubMed 22678952 (cited by Athena Diagnostics); PubMed 23238081 (cited by Athena Diagnostics).